The following is an entry in ClinVar:

ClinVar aggregate classification (germline): Uncertain significance (1 of 4 stars; one submission).

Conditions:
MYT1L-related disorder. Also called: MYT1L-related condition.

Submission:

PreventionGenetics, part of Exact Sciences
Classification: Uncertain significance for MYT1L-related condition. Last evaluated: 2023-06-22. Review status: criteria provided, single submitter. Criteria: ACMG Guidelines, 2015. Collection method: clinical testing. Allele origin: germline.
Comment: The MYT1L c.533C>G variant is predicted to result in the amino acid substitution p.Thr178Ser. To our knowledge, this variant has not been reported in the literature or in a large population database, indicating this variant is rare. At this time, the clinical significance of this variant is uncertain due to the absence of conclusive functional and genetic evidence.

NM_001303052.2(MYT1L):c.533C>G (p.Thr178Ser)

Gene: MYT1L (myelin transcription factor 1 like; minus strand). Cytogenetic location: 2p25.3.
Variant type: single nucleotide variant.
Coding change: c.533C>G on transcript NM_001303052.2 (MANE Select); coding-DNA position 533, C replaced by G.
Protein change: p.Thr178Ser; replaces threonine 178 with serine.
Molecular consequence: missense variant.
Genome position (GRCh38, 1-based): chr2:1,923,236, G>C on the plus strand (C>G on the coding strand, the complement: MYT1L is on the minus strand). VCF-style: chr2-1923236-G-C. GRCh37 (hg19) VCF-style: chr2-1927008-G-C.
Other names: c.533C>G, p.Thr178Ser (NM_001329844.2, NM_001329845.1, NM_001329846.3 and 6 more transcripts); short protein forms T178S.
Identifiers: ClinVar variation 2632323 (VCV002632323.1), dbSNP rs2053796835, ClinGen allele CA345707952.